The following is an entry in ClinVar:

ClinVar aggregate classification (germline): Uncertain significance (1 of 4 stars; one submission).

Conditions:
Cardiovascular phenotype. Identifiers: MedGen CN230736.

Submission:

Ambry Genetics
Classification: Uncertain significance for Cardiovascular phenotype. Last evaluated: 2022-06-06. Review status: criteria provided, single submitter. Criteria: Ambry Variant Classification Scheme 2023. Collection method: clinical testing. Allele origin: germline.
Comment: The p.T165N variant (also known as c.494C>A), located in coding exon 4 of the SCN10A gene, results from a C to A substitution at nucleotide position 494. The threonine at codon 165 is replaced by asparagine, an amino acid with similar properties. This amino acid position is conserved. In addition, the in silico prediction for this alteration is inconclusive. Since supporting evidence is limited at this time, the clinical significance of this alteration remains unclear.

NM_006514.4(SCN10A):c.494C>A (p.Thr165Asn)

Gene: SCN10A (sodium voltage-gated channel alpha subunit 10; minus strand). Cytogenetic location: 3p22.2.
Variant type: single nucleotide variant.
Coding change: c.494C>A on transcript NM_006514.4 (MANE Select); coding-DNA position 494, C replaced by A.
Protein change: p.Thr165Asn; replaces threonine 165 with asparagine.
Molecular consequence: missense variant.
Genome position (GRCh38, 1-based): chr3:38,771,384, G>T on the plus strand (C>A on the coding strand, the complement: SCN10A is on the minus strand). VCF-style: chr3-38771384-G-T. GRCh37 (hg19) VCF-style: chr3-38812875-G-T.
Other names: c.494C>A, p.Thr165Asn (NM_001293306.2, NM_001293307.2); short protein forms T165N.
Identifiers: ClinVar variation 1744313 (VCV001744313.2), dbSNP rs1208664844, ClinGen allele CA352156476.